The following continues an entry in ClinVar:

NM_017837.4(PIGV):c.1022C>A (p.Ala341Glu)

Gene: PIGV. ClinVar aggregate classification (germline): Pathogenic/Likely pathogenic. Pathogenic (16); Likely pathogenic (1).

Submissions 13 to 19 of 19:

Laboratory for Molecular Medicine, Mass General Brigham Personalized Medicine
Classification: Likely pathogenic for Hyperphosphatasia-intellectual disability syndrome. Last evaluated: 2017-01-27. Review status: criteria provided, single submitter. Criteria: LMM Criteria. Collection method: clinical testing. Allele origin: germline. Inheritance: Autosomal recessive inheritance. Observed: 3 variant alleles.
Comment: The p.Ala341Glu variant in PIGV has been identified in at least 10 individuals w ith hyperphosphatasia-intellectual disability syndrome (HPMR; Krawitz 2010, Horn 2011, Murakami 2012, Horn 2014), all of whom were either homozygous or compound heterozygous. This variant segregated with disease in at least 2 affected famil y members. It was also identified in 0.02% (30/126708) of European chromosomes by the Genome Aggregation Database (gnomAD; db SNP rs139073416). Although this variant has been seen in the general population, its frequency is low enough to be consistent with a recessive carrier frequency . Furthermore, in vitro functional studies provide some evidence that the p.Ala3 41Glu variant may impact protein function (Murakami 2012). In summary, although additional studies are required to fully establish its clinical significance, th e p.Ala341Glu variant is likely pathogenic for hyperphosphatasia-intellectual di sability syndrome inherited in an autosomal recessive manner. ACMG/AMP Criteria applied: PM3_Strong, PM2_Supporting, PP1, PS3_Supporting (Richards 2015).

Mayo Clinic Laboratories, Mayo Clinic
Classification: Pathogenic for Hyperphosphatasia with impaired intellectual development syndrome 1. Last evaluated: 2017-01-27. Review status: criteria provided, single submitter. Criteria: ACMG Guidelines, 2015. Collection method: clinical testing. Allele origin: maternal.

Ambry Genetics
Classification: Pathogenic for Inborn genetic diseases. Last evaluated: 2013-08-08. Review status: criteria provided, single submitter. Criteria: Ambry Autosomal Dominant and X-Linked criteria (10/2015). Collection method: clinical testing. Allele origin: germline. Observed: 1 variant allele.

Imagene.me medical diagnostic laboratory, IMAGENE.ME SA
Classification: Pathogenic for Hyperphosphatasia with impaired intellectual development syndrome 1. Review status: criteria provided, single submitter. Criteria: IMAGENE.ME Variant Classification SOP 2022. Collection method: clinical testing. Allele origin: germline. Affected: yes.
Comment: Classified according to the IMAGENE.ME variant classification SOP based on the ACMG guidelines as Pathogenic (P): PS4 + PM5 + PM3 + PM1 + PP3_Moderate + PM2_Supporting + PP5 + PP4

Institute for Genomic Statistics and Bioinformatics, University Hospital Bonn
Classification: Pathogenic for Hyperphosphatasia with impaired intellectual development syndrome 1. Review status: criteria provided, single submitter. Criteria: ACMG Guidelines, 2015. Collection method: clinical testing. Allele origin: unknown. Affected: yes. Observed: 1 variant allele.

PreventionGenetics, part of Exact Sciences
Classification: Pathogenic for PIGV-related condition. Last evaluated: 2024-08-04. Review status: no assertion criteria provided. Collection method: clinical testing. Allele origin: germline. Not counted in ClinVar's aggregate classification.
Comment: The PIGV c.1022C>A variant is predicted to result in the amino acid substitution p.Ala341Glu. This variant in the homozygous and compound heterozygous conditions were reported to be pathogenic for autosomal recessive hyperphosphatasia with intellectual disability syndrome, and hyperphosphatasia with seizures and neurologic deficit (Krawitz et al. 2010. PubMed ID: 20802478; Evers et al. 2017. PubMed ID: 28688840; Horn et al. 2011. PubMed ID: 21739589; Thompson et al. 2012. PubMed ID: 22315194). A different variant affecting the same amino acid residue (p.Ala341Val) was reported to be pathogenic (Thompson et al. 2012. PubMed ID: 22315194). This variant is reported in 0.023% of alleles in individuals of European (Non-Finnish) descent in gnomAD. This variant is interpreted as pathogenic.

OMIM
Classification: Pathogenic for HYPERPHOSPHATASIA WITH IMPAIRED INTELLECTUAL DEVELOPMENT SYNDROME 1. Last evaluated: 2012-03-01. Review status: no assertion criteria provided. Collection method: literature only. Allele origin: germline. Not counted in ClinVar's aggregate classification.

Literature cited by the submitters: PubMed 20802478 (cited by 5 submitters); PubMed 28688840 (cited by Labcorp Genetics (formerly Invitae), Labcorp); PubMed 24129430 (cited by 3 submitters); DOI 10.1007/s10048-023-00724-w (cited by Department of Clinical Genetics, Medical University of Lodz); PubMed 21739589 (cited by 3 submitters); PubMed 22315194 (cited by 3 submitters); PubMed 22228761 (cited by Illumina Laboratory Services, Illumina and Laboratory for Molecular Medicine, Mass General Brigham Personalized Medicine); PubMed 1724113 (cited by OMIM); PubMed 20578257 (cited by OMIM).